The following is an entry in ClinVar:

ClinVar aggregate classification (germline): Uncertain significance (1 of 4 stars; one submission).

gnomAD v4.1: 2 of 1,614,022 alleles (0.00012%); highest among the groups gnomAD compares: Non-Finnish European, 0.00017%; no homozygotes.

Submission:

Labcorp Genetics (formerly Invitae), Labcorp
Classification: Uncertain significance. Last evaluated: 2024-09-10. Review status: criteria provided, single submitter. Criteria: Invitae Variant Classification Sherloc (09022015). Collection method: clinical testing. Allele origin: germline.
Comment: This sequence change replaces threonine, which is neutral and polar, with serine, which is neutral and polar, at codon 312 of the ZBTB18 protein (p.Thr312Ser). This variant is present in population databases (rs755961787, gnomAD 0.0009%). This variant has not been reported in the literature in individuals affected with ZBTB18-related conditions. Invitae Evidence Modeling of protein sequence and biophysical properties (such as structural, functional, and spatial information, amino acid conservation, physicochemical variation, residue mobility, and thermodynamic stability) indicates that this missense variant is not expected to disrupt ZBTB18 protein function with a negative predictive value of 95%. In summary, the available evidence is currently insufficient to determine the role of this variant in disease. Therefore, it has been classified as a Variant of Uncertain Significance.

NM_205768.3(ZBTB18):c.935C>G (p.Thr312Ser)

Gene: ZBTB18 (zinc finger and BTB domain containing 18; plus strand). Cytogenetic location: 1q44.
Variant type: single nucleotide variant.
Coding change: c.935C>G on transcript NM_205768.3 (MANE Select); coding-DNA position 935, C replaced by G.
Protein change: p.Thr312Ser; replaces threonine 312 with serine.
Molecular consequence: missense variant. On other transcripts: 3 prime UTR variant (1).
Genome position (GRCh38, 1-based): chr1:244,054,709, C>G. VCF-style: chr1-244054709-C-G. GRCh37 (hg19) VCF-style: chr1-244218011-C-G.
Other names: c.908C>G, p.Thr303Ser (NM_001278196.2, NM_006352.5); c.*112C>G (NM_001421566.1); short protein forms T303S, T312S.
Identifiers: ClinVar variation 3701821 (VCV003701821.2).